The following is an entry in ClinVar:

ClinVar aggregate classification (germline): Uncertain significance (1 of 4 stars; one submission).

Conditions:
Emery-Dreifuss muscular dystrophy 4, autosomal dominant (EDMD4). Also called: EMERY-DREIFUSS MUSCULAR DYSTROPHY 4 WITH VARIABLE FEATURES. Identifiers: Orphanet 261, MedGen C2751807, MONDO:0013071, OMIM 612998.
Autosomal recessive ataxia, Beauce type. Also called: SYNE1-Related Autosomal Recessive Cerebellar Ataxia; Spinocerebellar ataxia, autosomal recessive 8; ATAXIA, RECESSIVE, OF BEAUCE; SYNE1 Deficiency. Identifiers: Orphanet 88644, MedGen C1853116, MONDO:0012549, OMIM 610743.

Allele frequency attached by ClinVar (database versions not stated): gnomAD 0.00001.
gnomAD v4.1: 30 of 1,613,740 alleles (0.0019%); highest among the groups gnomAD compares: African/African-American, 0.0027%; no homozygotes.

Submission:

Labcorp Genetics (formerly Invitae), Labcorp
Classification: Uncertain significance for Emery-Dreifuss muscular dystrophy 4, autosomal dominant; Autosomal recessive ataxia, Beauce type. Last evaluated: 2022-07-06. Review status: criteria provided, single submitter. Criteria: Invitae Variant Classification Sherloc (09022015). Collection method: clinical testing. Allele origin: germline.
Comment: In summary, the available evidence is currently insufficient to determine the role of this variant in disease. Therefore, it has been classified as a Variant of Uncertain Significance. Algorithms developed to predict the effect of missense changes on protein structure and function output the following: SIFT: "Tolerated"; PolyPhen-2: "Benign"; Align-GVGD: "Class C0". The threonine amino acid residue is found in multiple mammalian species, which suggests that this missense change does not adversely affect protein function. ClinVar contains an entry for this variant (Variation ID: 574384). This variant has not been reported in the literature in individuals affected with SYNE1-related conditions. This variant is present in population databases (rs750659947, gnomAD 0.006%). This sequence change replaces alanine, which is neutral and non-polar, with threonine, which is neutral and polar, at codon 159 of the SYNE1 protein (p.Ala159Thr).

NM_182961.4(SYNE1):c.454G>A (p.Ala152Thr)

Gene: SYNE1 (spectrin repeat containing nuclear envelope protein 1; minus strand). Cytogenetic location: 6q25.2.
Variant type: single nucleotide variant.
Coding change: c.454G>A on transcript NM_182961.4 (MANE Select); coding-DNA position 454, G replaced by A.
Protein change: p.Ala152Thr; replaces alanine 152 with threonine.
Molecular consequence: missense variant.
Genome position (GRCh38, 1-based): chr6:152,510,320, C>T on the plus strand (G>A on the coding strand, the complement: SYNE1 is on the minus strand). VCF-style: chr6-152510320-C-T. GRCh37 (hg19) VCF-style: chr6-152831455-C-T.
Other names: c.475G>A, p.Ala159Thr (NM_033071.5); short protein forms A159T, A152T.
Identifiers: ClinVar variation 574384 (VCV000574384.6), dbSNP rs750659947, ClinGen allele CA4059722.